The following is an entry in ClinVar:

NM_025179.4(PLXNA2):c.3926G>A (p.Arg1309His)

Gene: PLXNA2 (plexin A2; minus strand). Cytogenetic location: 1q32.2.
Variant type: single nucleotide variant.
Coding change: c.3926G>A on transcript NM_025179.4 (MANE Select); coding-DNA position 3926, G replaced by A.
Protein change: p.Arg1309His; replaces arginine 1309 with histidine.
Molecular consequence: missense variant.
Genome position (GRCh38, 1-based): chr1:208,043,152, C>T on the plus strand (G>A on the coding strand, the complement: PLXNA2 is on the minus strand). VCF-style: chr1-208043152-C-T. GRCh37 (hg19) VCF-style: chr1-208216497-C-T.
Other names: c.3926G>A (NM_025179.3); short protein forms R1309H.
Identifiers: ClinVar variation 1434195 (VCV001434195.7), dbSNP rs572241200, ClinGen allele CA1373031.

ClinVar aggregate classification (germline): Uncertain significance. Review status: criteria provided, single submitter (1 of 4 stars). 2 submissions from 2 submitters: Uncertain significance (1). 1 of the submissions does not count toward it. Last evaluated 2025-09-28.

Conditions:
PLXNA2-related disorder. Also called: PLXNA2-related condition.

Allele frequency attached by ClinVar (database versions not stated): gnomAD 0.00003; gnomAD exomes 0.00003 and 0.00005; TOPMed 0.00003; ExAC 0.00009; 1000 Genomes Project 30x 0.00016; 1000 Genomes Project 0.00020.
gnomAD v4.1: 46 of 1,614,052 alleles (0.0028%); highest among the groups gnomAD compares: Middle Eastern, 0.017%; no homozygotes.

Submissions (2):

Labcorp Genetics (formerly Invitae), Labcorp
Classification: Uncertain significance. Last evaluated: 2025-09-28. Review status: criteria provided, single submitter. Criteria: Invitae Variant Classification Sherloc (09022015). Collection method: clinical testing. Allele origin: germline.
Comment: This sequence change replaces arginine, which is basic and polar, with histidine, which is basic and polar, at codon 1309 of the PLXNA2 protein (p.Arg1309His). This variant is present in population databases (rs572241200, gnomAD 0.02%). This variant has not been reported in the literature in individuals affected with PLXNA2-related conditions. ClinVar contains an entry for this variant (Variation ID: 1434195). Invitae Evidence Modeling of protein sequence and biophysical properties (such as structural, functional, and spatial information, amino acid conservation, physicochemical variation, residue mobility, and thermodynamic stability) indicates that this missense variant is not expected to disrupt PLXNA2 protein function with a negative predictive value of 80%. In summary, the available evidence is currently insufficient to determine the role of this variant in disease. Therefore, it has been classified as a Variant of Uncertain Significance.

PreventionGenetics, part of Exact Sciences
Classification: Uncertain significance for PLXNA2-related condition. Last evaluated: 2024-06-12. Review status: no assertion criteria provided. Collection method: clinical testing. Allele origin: germline. Not counted in ClinVar's aggregate classification.
Comment: The PLXNA2 c.3926G>A variant is predicted to result in the amino acid substitution p.Arg1309His. To our knowledge, this variant has not been reported in the literature. This variant is reported in 0.020% of alleles in individuals of Ashkenazi Jewish descent in gnomAD. At this time, the clinical significance of this variant is uncertain due to the absence of conclusive functional and genetic evidence.